The following is an entry in ClinVar:

ClinVar aggregate classification (germline): Uncertain significance. Review status: criteria provided, multiple submitters, no conflicts (2 of 4 stars). 3 submissions from 3 submitters: Uncertain significance (3). Last evaluated 2025-07-03.

Conditions:
WDPCP-related disorder. Also called: WDPCP-related condition.
Bardet-Biedl syndrome (BBS). Identifiers: Orphanet 110, MedGen C0752166, MONDO:0015229.
Bardet-Biedl syndrome 15 (BBS15). Identifiers: Orphanet 110, MedGen C3150127, MONDO:0014443, OMIM 615992.
Heart defect - tongue hamartoma - polysyndactyly syndrome. Also called: Congenital heart defects, hamartomas of tongue, and polysyndactyly. Identifiers: Orphanet 1338, MedGen C1857587, MONDO:0009008, OMIM 217085.

Allele frequency attached by ClinVar (database versions not stated): gnomAD 0.00001; gnomAD exomes 0.00001 and 0.00002; ExAC 0.00002; TOPMed 0.00002; 1000 Genomes Project 30x 0.00016; 1000 Genomes Project 0.00020.
gnomAD v4.1: 12 of 1,613,686 alleles (0.00074%); highest among the groups gnomAD compares: Middle Eastern, 0.017%; no homozygotes.

Submissions (3):

PreventionGenetics, part of Exact Sciences
Classification: Uncertain significance for WDPCP-related condition. Last evaluated: 2025-07-03. Review status: criteria provided, single submitter. Criteria: ACMG Guidelines, 2015. Collection method: clinical testing. Allele origin: germline.
Comment: The WDPCP c.967C>T variant is predicted to result in the amino acid substitution p.Arg323Trp. To our knowledge, this variant has not been reported in the literature. This variant is reported in 0.0065% of alleles in individuals of South Asian descent in gnomAD. At this time, the clinical significance of this variant is uncertain due to the absence of conclusive functional and genetic evidence.

Fulgent Genetics
Classification: Uncertain significance for Heart defect - tongue hamartoma - polysyndactyly syndrome; Bardet-Biedl syndrome 15. Last evaluated: 2024-05-28. Review status: criteria provided, single submitter. Criteria: ACMG Guidelines, 2015. Collection method: clinical testing. Allele origin: germline.

Labcorp Genetics (formerly Invitae), Labcorp
Classification: Uncertain significance for Bardet-Biedl syndrome. Last evaluated: 2022-02-24. Review status: criteria provided, single submitter. Criteria: Invitae Variant Classification Sherloc (09022015). Collection method: clinical testing. Allele origin: germline.
Comment: This sequence change replaces arginine, which is basic and polar, with tryptophan, which is neutral and slightly polar, at codon 323 of the WDPCP protein (p.Arg323Trp). This variant is present in population databases (rs545767612, gnomAD 0.007%). This variant has not been reported in the literature in individuals affected with WDPCP-related conditions. ClinVar contains an entry for this variant (Variation ID: 958124). Algorithms developed to predict the effect of missense changes on protein structure and function are either unavailable or do not agree on the potential impact of this missense change (SIFT: "Deleterious"; PolyPhen-2: "Benign"; Align-GVGD: "Class C0"). In summary, the available evidence is currently insufficient to determine the role of this variant in disease. Therefore, it has been classified as a Variant of Uncertain Significance.

NM_015910.7(WDPCP):c.967C>T (p.Arg323Trp)

Gene: WDPCP (WD repeat containing planar cell polarity effector; minus strand). Cytogenetic location: 2p15.
Variant type: single nucleotide variant.
Coding change: c.967C>T on transcript NM_015910.7 (MANE Select); coding-DNA position 967, C replaced by T.
Protein change: p.Arg323Trp; replaces arginine 323 with tryptophan.
Molecular consequence: missense variant. On other transcripts: non-coding transcript variant (3).
Genome position (GRCh38, 1-based): chr2:63,404,516, G>A on the plus strand (C>T on the coding strand, the complement: WDPCP is on the minus strand). VCF-style: chr2-63404516-G-A. GRCh37 (hg19) VCF-style: chr2-63631651-G-A.
Other names: c.490C>T, p.Arg164Trp (NM_001042692.3); c.895C>T, p.Arg299Trp (NM_001354044.2); c.967C>T, p.Arg323Trp (NM_001354045.2); short protein forms R164W, R299W, R323W.
Identifiers: ClinVar variation 958124 (VCV000958124.16), dbSNP rs545767612, ClinGen allele CA1682304.
Genomic context (GRCh38, chr2:63,404,516, plus strand): 5'-AGCTGATGGCCTTTGACTTTAGTGGTATTCTGGTGACTGACACACACTGGATTTTATTCC[G>A]AATGCATTCATAGATGCAGCTGTCAGCCATGGGCTCTTTGTCTACACTTACGGAGTGCTC-3'
Protein context (NP_056994.3, residues 313-333): MADSCIYECI[Arg323Trp]NKIQCVSVTR